The following is an entry in ClinVar:

NM_033028.5(BBS4):c.25A>T (p.Arg9Ter)

Gene: BBS4 (Bardet-Biedl syndrome 4; plus strand). Cytogenetic location: 15q24.1.
Variant type: single nucleotide variant.
Coding change: c.25A>T on transcript NM_033028.5 (MANE Select); coding-DNA position 25, A replaced by T.
Protein change: p.Arg9Ter; replaces arginine 9 with a stop codon.
Molecular consequence: nonsense. On other transcripts: non-coding transcript variant (2), intron variant (1).
Genome position (GRCh38, 1-based): chr15:72,695,177, A>T. VCF-style: chr15-72695177-A-T. GRCh37 (hg19) VCF-style: chr15-72987518-A-T.
Other names: c.25A>T, p.Arg9Ter (NM_001320665.2); c.-446+8926A>T (NM_001252678.2); short protein forms R9*.
Identifiers: ClinVar variation 3345245 (VCV003345245.1).

ClinVar aggregate classification (germline): Likely pathogenic (0 of 4 stars; one submission).

Conditions:
BBS4-related disorder. Also called: BBS4-related condition.

Submission:

PreventionGenetics, part of Exact Sciences
Classification: Likely pathogenic for BBS4-related condition. Last evaluated: 2024-07-30. Review status: no assertion criteria provided. Collection method: clinical testing. Allele origin: germline.
Comment: The BBS4 c.25A>T variant is predicted to result in premature protein termination (p.Arg9*). To our knowledge, this variant has not been reported in the literature or in a large population database, indicating this variant is rare. Nonsense variants in BBS4 are expected to be pathogenic. This variant is interpreted as likely pathogenic.